The following is an entry in ClinVar:

ClinVar aggregate classification (germline): Uncertain significance (1 of 4 stars; one submission).

Allele frequency attached by ClinVar (database versions not stated): TOPMed below 0.00001; gnomAD 0.00001; gnomAD exomes 0.00001.
gnomAD v4.1: 11 of 1,613,720 alleles (0.00068%); highest among the groups gnomAD compares: Admixed American, 0.0017%; no homozygotes.

Submission:

Labcorp Genetics (formerly Invitae), Labcorp
Classification: Uncertain significance. Last evaluated: 2025-03-31. Review status: criteria provided, single submitter. Criteria: Invitae Variant Classification Sherloc (09022015). Collection method: clinical testing. Allele origin: germline.
Comment: This sequence change replaces arginine, which is basic and polar, with tryptophan, which is neutral and slightly polar, at codon 549 of the ITGAM protein (p.Arg549Trp). The frequency data for this variant in the population databases is considered unreliable, as metrics indicate poor data quality at this position in the gnomAD database. This variant has not been reported in the literature in individuals affected with ITGAM-related conditions. ClinVar contains an entry for this variant (Variation ID: 1963480). An algorithm developed to predict the effect of missense changes on protein structure and function (PolyPhen-2) suggests that this variant is likely to be disruptive. In summary, the available evidence is currently insufficient to determine the role of this variant in disease. Therefore, it has been classified as a Variant of Uncertain Significance.

NM_000632.4(ITGAM):c.1645C>T (p.Arg549Trp)

Gene: ITGAM (integrin subunit alpha M; plus strand). Cytogenetic location: 16p11.2.
Variant type: single nucleotide variant.
Coding change: c.1645C>T on transcript NM_000632.4 (MANE Select); coding-DNA position 1645, C replaced by T.
Protein change: p.Arg549Trp; replaces arginine 549 with tryptophan.
Molecular consequence: missense variant.
Genome position (GRCh38, 1-based): chr16:31,297,892, C>T. VCF-style: chr16-31297892-C-T. GRCh37 (hg19) VCF-style: chr16-31309213-C-T.
Other names: c.1648C>T, p.Arg550Trp (NM_001145808.2); short protein forms R549W, R550W.
Identifiers: ClinVar variation 1963480 (VCV001963480.5), dbSNP rs1342628053, ClinGen allele CA395671634.
Genomic context (GRCh38, chr16:31,297,892, plus strand): 5'-GACGTAAATGGGGACAAGCTGACGGACGTGGCCATTGGGGCCCCAGGAGAGGAGGACAAC[C>T]GGGGTGCTGTTTACCTGTTTCACGGAACCTCAGGATCTGGCATCAGCCCCTCCCATAGCC-3'
Protein context (NP_000623.2, residues 539-559): AIGAPGEEDN[Arg549Trp]GAVYLFHGTS